The following is an entry in ClinVar:

NM_007272.3(CTRC):c.792G>A (p.Glu264=)

Gene: CTRC (chymotrypsin C; plus strand). Cytogenetic location: 1p36.21.
Variant type: single nucleotide variant.
Coding change: c.792G>A on transcript NM_007272.3 (MANE Select); coding-DNA position 792, G replaced by A.
Protein change: p.Glu264=; no amino-acid change (glutamic acid 264 retained).
Molecular consequence: synonymous variant.
Genome position (GRCh38, 1-based): chr1:15,445,749, G>A. VCF-style: chr1-15445749-G-A. GRCh37 (hg19) VCF-style: chr1-15772244-G-A.
Identifiers: ClinVar variation 4869523 (VCV004869523.1).

ClinVar aggregate classification (germline): Uncertain significance (1 of 4 stars; one submission).

Conditions:
Hereditary pancreatitis (PCTT). Also called: Hereditary chronic pancreatitis; PRSS1-Related Hereditary Pancreatitis. Identifiers: Orphanet 676, MedGen C0238339, MONDO:0008185, OMIM 167800.

gnomAD v4.1: 11 of 1,614,040 alleles (0.00068%); highest among the groups gnomAD compares: Non-Finnish European, 0.00093%; no homozygotes.

Submission:

Ambry Genetics
Classification: Uncertain significance for Hereditary pancreatitis. Last evaluated: 2026-04-22. Review status: criteria provided, single submitter. Criteria: Ambry Variant Classification Scheme 2023. Collection method: clinical testing. Allele origin: germline.
Comment: The c.792G>A variant (also known as p.E264E) is located in coding exon 7 of the CTRC gene. This variant results from a G to A substitution at nucleotide position 792. This nucleotide substitution does not change the amino acid at codon 264. However, this change occurs in the last base pair of coding exon 7, which makes it likely to have some effect on normal mRNA splicing. This nucleotide position is well conserved in available vertebrate species. In silico splice site analysis for this alteration is inconclusive. Based on the available evidence, the clinical significance of this variant remains unclear.